The following is an entry in ClinVar:

ClinVar aggregate classification (germline): Uncertain significance (1 of 4 stars; one submission).

Conditions:
Neurodevelopmental disorder with dysmorphic facies and distal limb anomalies. Identifiers: Orphanet 686482, MedGen C4540327, MONDO:0060596, OMIM 617755.

Allele frequency attached by ClinVar (database versions not stated): gnomAD exomes 0.00001.
gnomAD v4.1: 7 of 1,614,070 alleles (0.00043%); highest among the groups gnomAD compares: Non-Finnish European, 0.00059%; no homozygotes.

Submission:

Victorian Clinical Genetics Services, Murdoch Childrens Research Institute
Classification: Uncertain significance for Neurodevelopmental disorder with dysmorphic facies and distal limb anomalies. Last evaluated: 2021-05-06. Review status: criteria provided, single submitter. Criteria: ACMG Guidelines, 2015. Collection method: clinical testing. Allele origin: germline. Inheritance: Autosomal dominant inheritance. Affected: yes.
Comment: Based on the classification scheme VCGS_Germline_v1.3.4, this variant is classified as 3B-VUS. Following criteria are met: 0101 - Loss of function is a known mechanism of disease in this gene and is associated with neurodevelopmental disorder with dysmorphic facies and distal limb anomalies (MIM#617755). (I) 0107 - This gene is associated with autosomal dominant disease. (I) 0200 - Variant is predicted to result in a missense amino acid change from tyrosine to histidine. (I) 0251 - This variant is heterozygous. (I) 0301 - Variant is absent from gnomAD (both v2 and v3). (SP) 0309 - Multiple alternative amino acid changes at the same position have been observed in gnomAD v2 (highest allele count: 1 heterozygote, 0 homozygotes). (I) 0502 - Missense variant with conflicting in silico predictions and uninformative conservation. (I) 0604 - Variant is not located in an established domain, motif, hotspot or informative constraint region. (I) 0705 - No comparable missense variants have previous evidence for pathogenicity. (I) 0807 - This variant has no previous evidence of pathogenicity. (I) 0905 - No published segregation evidence has been identified for this variant. (I) 1007 - No published functional evidence has been identified for this variant. (I) 1208 - Inheritance information for this variant is not currently available in this individual. (I) Legend: (SP) - Supporting pathogenic, (I) - Information, (SB) - Supporting benign

NM_182641.4(BPTF):c.5044T>C (p.Tyr1682His)

Gene: BPTF (bromodomain PHD finger transcription factor; plus strand). Cytogenetic location: 17q24.2.
Variant type: single nucleotide variant.
Coding change: c.5044T>C on transcript NM_182641.4 (MANE Select); coding-DNA position 5044, T replaced by C.
Protein change: p.Tyr1682His; replaces tyrosine 1682 with histidine.
Molecular consequence: missense variant.
Genome position (GRCh38, 1-based): chr17:67,912,928, T>C. VCF-style: chr17-67912928-T-C. GRCh37 (hg19) VCF-style: chr17-65909044-T-C.
Other names: c.5422T>C, p.Tyr1808His (NM_004459.7); short protein forms Y1682H, Y1808H.
Identifiers: ClinVar variation 1805999 (VCV001805999.1), dbSNP rs2511510364, ClinGen allele CA400731582.